The following is an entry in ClinVar:

ClinVar aggregate classification (germline): Conflicting classifications of pathogenicity. Review status: criteria provided, conflicting classifications (1 of 4 stars). 8 submissions from 8 submitters: Uncertain significance (6); Likely benign (1). 1 of the submissions does not count toward it. Last evaluated 2025-04-13.

Conditions:
Hereditary cancer-predisposing syndrome. Also called: Hereditary neoplastic syndrome; Tumor predisposition; Neoplastic Syndromes, Hereditary; Hereditary Cancer Syndrome. Identifiers: Orphanet 140162, MedGen C0027672, MeSH D009386, MONDO:0015356.
Carcinoma of colon (CRC). Also called: Colon carcinoma; Colonic carcinoma. Identifiers: MedGen C0699790, MONDO:0002032.
Familial cancer of breast. Also called: hereditary breast carcinoma; BREAST CANCER, FAMILIAL; Hereditary breast cancer. Identifiers: Orphanet 227535, MedGen C0346153, MONDO:0016419, OMIM 114480. Disease mechanism: loss of function.

Allele frequency attached by ClinVar (database versions not stated): gnomAD 0.00001; gnomAD exomes 0.00001 and below 0.00001; TOPMed 0.00002.
gnomAD v4.1: 4 of 1,613,972 alleles (0.00025%); highest among the groups gnomAD compares: Admixed American, 0.0017%; no homozygotes.

Submissions (8):

Labcorp Genetics (formerly Invitae), Labcorp
Classification: Uncertain significance for Familial cancer of breast. Last evaluated: 2025-04-13. Review status: criteria provided, single submitter. Criteria: Invitae Variant Classification Sherloc (09022015). Collection method: clinical testing. Allele origin: germline.
Comment: This sequence change replaces cysteine, which is neutral and slightly polar, with serine, which is neutral and polar, at codon 1078 of the PALB2 protein (p.Cys1078Ser). This variant is present in population databases (no rsID available, gnomAD 0.003%). This missense change has been observed in individual(s) with PALB2-related conditions (PMID: 37864521). ClinVar contains an entry for this variant (Variation ID: 232150). An algorithm developed to predict the effect of missense changes on protein structure and function (PolyPhen-2) suggests that this variant is likely to be disruptive. In summary, the available evidence is currently insufficient to determine the role of this variant in disease. Therefore, it has been classified as a Variant of Uncertain Significance.

Ambry Genetics
Classification: Likely benign for Hereditary cancer-predisposing syndrome. Last evaluated: 2024-12-30. Review status: criteria provided, single submitter. Criteria: Ambry Variant Classification Scheme 2023. Collection method: clinical testing. Allele origin: germline.

Baylor Genetics
Classification: Uncertain significance for Familial cancer of breast. Last evaluated: 2024-02-14. Review status: criteria provided, single submitter. Criteria: ACMG Guidelines, 2015. Collection method: clinical testing. Allele origin: unknown.

Quest Diagnostics Nichols Institute San Juan Capistrano
Classification: Uncertain significance. Last evaluated: 2024-01-29. Review status: criteria provided, single submitter. Criteria: Quest Diagnostics criteria. Collection method: clinical testing. Allele origin: unknown.
Comment: The PALB2 c.3232T>A (p.Cys1078Ser) variant has been reported in the published literature in an individual affected with colorectal cancer (PMID: 28944238 (2017)) and an individual affected with a myeloid malignancy (PMID: 31911633 (2020)). The frequency of this variant in the general population, 0.000004 (1/251472 chromosomes (Genome Aggregation Database)), is uninformative in the assessment of its pathogenicity. Analysis of this variant using bioinformatics tools for the prediction of the effect of amino acid changes on protein structure and function yielded conflicting predictions that this variant is benign or damaging. Based on the available information, we are unable to determine the clinical significance of this variant.

Women's Health and Genetics/Laboratory Corporation of America, LabCorp
Classification: Uncertain significance. Last evaluated: 2023-04-09. Review status: criteria provided, single submitter. Criteria: LabCorp Variant Classification Summary - May 2015. Collection method: clinical testing. Allele origin: germline.

GeneDx
Classification: Uncertain significance. Last evaluated: 2023-04-06. Review status: criteria provided, single submitter. Criteria: GeneDx Variant Classification Process June 2021. Collection method: clinical testing. Allele origin: germline. Affected: yes.
Comment: Not observed at significant frequency in large population cohorts (gnomAD); In silico analysis supports that this missense variant has a deleterious effect on protein structure/function; Reported in individuals with colorectal cancer or myeloid malignancy (DeRycke et al., 2017; Li et al., 2020); This variant is associated with the following publications: (PMID: 24485656, 19609323, 20871615, 30638972, 31911633, 28944238, 28779002)

Color Diagnostics, LLC DBA Color Health
Classification: Uncertain significance for Hereditary cancer-predisposing syndrome. Last evaluated: 2021-11-29. Review status: criteria provided, single submitter. Criteria: ACMG Guidelines, 2015. Collection method: clinical testing. Allele origin: germline.
Comment: This missense variant replaces cysteine with serine at codon 1078 of the PALB2 protein. Computational prediction suggests that this variant may not impact protein structure and function (internally defined REVEL score threshold <= 0.5, PMID: 27666373). To our knowledge, functional studies have not been reported for this variant. This protein change has been reported in individuals affected with breast cancer (PMID: 28779002, 30638972). This variant has been identified in 1/251472 chromosomes in the general population by the Genome Aggregation Database (gnomAD). The available evidence is insufficient to determine the role of this variant in disease conclusively. Therefore, this variant is classified as a Variant of Uncertain Significance.

Leiden Open Variation Database
Classification: Uncertain significance for Colorectal cancer. Last evaluated: 2017-01-31. Review status: no assertion criteria provided. Collection method: curation. Allele origin: germline. Affected: yes. Not counted in ClinVar's aggregate classification.
Comment: Curators: Marc Tischkowitz, Arleen D. Auerbach. Submitter to LOVD: Melissa DeRycke.

Literature cited by the submitters: PubMed 37864521 (cited by Labcorp Genetics (formerly Invitae), Labcorp); PubMed 28779002 (cited by Ambry Genetics and Color Diagnostics, LLC DBA Color Health); PubMed 28944238 (cited by Ambry Genetics and Quest Diagnostics Nichols Institute San Juan Capistrano); PubMed 30638972 (cited by Ambry Genetics and Color Diagnostics, LLC DBA Color Health); PubMed 31911633 (cited by Ambry Genetics and Quest Diagnostics Nichols Institute San Juan Capistrano).

NM_024675.4(PALB2):c.3232T>A (p.Cys1078Ser)

Gene: PALB2 (partner and localizer of BRCA2; minus strand). Cytogenetic location: 16p12.2.
Variant type: single nucleotide variant.
Coding change: c.3232T>A on transcript NM_024675.4 (MANE Select); coding-DNA position 3232, T replaced by A.
Protein change: p.Cys1078Ser; replaces cysteine 1078 with serine.
Molecular consequence: missense variant.
Genome position (GRCh38, 1-based): chr16:23,607,982, A>T on the plus strand (T>A on the coding strand, the complement: PALB2 is on the minus strand). VCF-style: chr16-23607982-A-T. GRCh37 (hg19) VCF-style: chr16-23619303-A-T.
Other names: short protein forms C1078S.
Identifiers: ClinVar variation 232150 (VCV000232150.26), dbSNP rs876659587, ClinGen allele CA10579924.